The following is an entry in ClinVar:

NM_001371928.1(AHDC1):c.2862G>A (p.Met954Ile)

Gene: AHDC1 (AT-hook DNA binding motif containing 1; minus strand). Cytogenetic location: 1p36.11.
Variant type: single nucleotide variant.
Coding change: c.2862G>A on transcript NM_001371928.1 (MANE Select); coding-DNA position 2862, G replaced by A.
Protein change: p.Met954Ile; replaces methionine 954 with isoleucine.
Molecular consequence: missense variant.
Genome position (GRCh38, 1-based): chr1:27,549,254, C>T on the plus strand (G>A on the coding strand, the complement: AHDC1 is on the minus strand). VCF-style: chr1-27549254-C-T. GRCh37 (hg19) VCF-style: chr1-27875765-C-T.
Other names: c.2862G>A, p.Met954Ile (NM_001029882.3); short protein forms M954I.
Identifiers: ClinVar variation 2412915 (VCV002412915.3), dbSNP rs2521910015, ClinGen allele CA339229359.
Genomic context (GRCh38, chr1:27,549,254, plus strand): 5'-ATAGCCGCCGTACTGGGGCAGGTAGGTGTTGGCAGGCGGGTGGGTGGTAGGTGAGCGGGC[C>T]ATGGCTGAGGGCGGGGGCACCAGCTTGGGGAAGGTCTCGGCTGCCCGGCAGTCTGAAGCG-3'
Protein context (NP_001358857.1, residues 944-964): FPKLVPPPSA[Met954Ile]ARSPTTHPPA

ClinVar aggregate classification (germline): Uncertain significance (1 of 4 stars; one submission).

Submission:

GeneDx
Classification: Uncertain significance. Last evaluated: 2022-07-07. Review status: criteria provided, single submitter. Criteria: GeneDx Variant Classification Process June 2021. Collection method: clinical testing. Allele origin: germline. Affected: yes.
Comment: Not observed at significant frequency in large population cohorts (gnomAD); In silico analysis supports that this missense variant does not alter protein structure/function; Has not been previously published as pathogenic or benign to our knowledge